The following is an entry in ClinVar:

ClinVar aggregate classification (germline): Pathogenic. Review status: criteria provided, multiple submitters, no conflicts (2 of 4 stars). 3 submissions from 3 submitters: Pathogenic (3). Last evaluated 2023-06-23.

Conditions:
Hereditary cancer-predisposing syndrome. Also called: Hereditary neoplastic syndrome; Neoplastic Syndromes, Hereditary; Hereditary Cancer Syndrome; Tumor predisposition. Identifiers: Orphanet 140162, MedGen C0027672, MeSH D009386, MONDO:0015356.
Familial cancer of breast. Also called: BREAST CANCER, FAMILIAL; Hereditary breast cancer; hereditary breast carcinoma. Identifiers: Orphanet 227535, MedGen C0346153, MONDO:0016419, OMIM 114480. Disease mechanism: loss of function.

Submissions (3):

Myriad Genetics, Inc.
Classification: Pathogenic for Familial cancer of breast. Last evaluated: 2023-06-23. Review status: criteria provided, single submitter. Criteria: Myriad Autosomal Dominant, Autosomal Recessive and X-Linked Classification Criteria (2023). Collection method: clinical testing. Allele origin: unknown.
Comment: This variant is considered pathogenic. This variant creates a frameshift predicted to result in premature protein truncation.

Ambry Genetics
Classification: Pathogenic for Hereditary cancer-predisposing syndrome. Last evaluated: 2022-06-07. Review status: criteria provided, single submitter. Criteria: Ambry Variant Classification Scheme 2023. Collection method: clinical testing. Allele origin: germline.
Comment: The c.292delG pathogenic mutation, located in coding exon 1 of the CHEK2 gene, results from a deletion of one nucleotide at nucleotide position 292, causing a translational frameshift with a predicted alternate stop codon (p.A98Pfs*12). This alteration is expected to result in loss of function by premature protein truncation or nonsense-mediated mRNA decay. As such, this alteration is interpreted as a disease-causing mutation.

Labcorp Genetics (formerly Invitae), Labcorp
Classification: Pathogenic for Familial cancer of breast. Last evaluated: 2022-02-20. Review status: criteria provided, single submitter. Criteria: Invitae Variant Classification Sherloc (09022015). Collection method: clinical testing. Allele origin: germline.
Comment: For these reasons, this variant has been classified as Pathogenic. ClinVar contains an entry for this variant (Variation ID: 530212). This variant has not been reported in the literature in individuals affected with CHEK2-related conditions. This variant is not present in population databases (gnomAD no frequency). This sequence change creates a premature translational stop signal (p.Ala98Profs*12) in the CHEK2 gene. It is expected to result in an absent or disrupted protein product. Loss-of-function variants in CHEK2 are known to be pathogenic (PMID: 21876083, 24713400).

Literature cited by the submitters: PubMed 21876083 (cited by Labcorp Genetics (formerly Invitae), Labcorp); PubMed 24713400 (cited by Labcorp Genetics (formerly Invitae), Labcorp).

NM_007194.4(CHEK2):c.292del (p.Ala98fs)

Gene: CHEK2 (checkpoint kinase 2; minus strand). Cytogenetic location: 22q12.1.
Variant type: Deletion.
Coding change: c.292del on transcript NM_007194.4 (MANE Select); coding-DNA position 292, one base deleted (G; older notation c.292delG).
Protein change: p.Ala98fs; shifts the reading frame from alanine 98.
Molecular consequence: frameshift variant.
Genome position (GRCh38, 1-based): chr22:28,734,430, C deleted on the plus strand (G on the coding strand, the reverse complement: CHEK2 is on the minus strand); the first of 3 consecutive C bases (chr22:28,734,430-28,734,432); deleting any one gives the same sequence. VCF-style (leftmost placement, unchanged base first): chr22-28734429-GC-G. GRCh37 (hg19) VCF-style: chr22-29130417-GC-G.
Other names: c.290delG, p.Ala98Profs (NM_001349956.3, NM_145862.3, NM_001005735.3); c.-488delG (NM_001257387.3); short protein forms A98fs.
Identifiers: ClinVar variation 530212 (VCV000530212.11), dbSNP rs1555932116, ClinGen allele CA658799528.